The following is an entry in ClinVar:

ClinVar aggregate classification (germline): Uncertain significance. Review status: criteria provided, multiple submitters, no conflicts (2 of 4 stars). 3 submissions from 3 submitters: Uncertain significance (3). Last evaluated 2026-08-12.

Conditions:
Primary ciliary dyskinesia. Also called: Ciliary dyskinesia. Identifiers: Orphanet 244, MedGen C0008780, MONDO:0016575, HP:0012265.
Primary ciliary dyskinesia 3. Identifiers: Orphanet 244, MedGen C1837618, MONDO:0012085, OMIM 608644.

Allele frequency attached by ClinVar (database versions not stated): gnomAD exomes 0.00001.
gnomAD v4.1: 11 of 1,613,620 alleles (0.00068%); highest among the groups gnomAD compares: Middle Eastern, 0.033%; no homozygotes.

Submissions (3):

Myriad Genetics, Inc.
Classification: Uncertain significance for Primary ciliary dyskinesia 3. Last evaluated: 2026-08-12. Review status: criteria provided, single submitter. Criteria: Myriad Autosomal Dominant, Autosomal Recessive and X-Linked Classification Criteria (2023). Collection method: clinical testing. Allele origin: unknown.
Comment: NM_001369.2(DNAH5):c.3560C>G(P1187R) is a missense variant classified as a variant of uncertain significance in the context of primary ciliary dyskinesia, DNAH5-related. P1187R has not been observed in cases with relevant disease. Relevant functional assessments of this variant are not available in the literature. P1187R has been observed in referenced population frequency databases. In summary, there is insufficient evidence to classify NM_001369.2(DNAH5):c.3560C>G(P1187R) as pathogenic or benign. Please note: this variant was assessed in the context of healthy population screening.

Ambry Genetics
Classification: Uncertain significance for Primary ciliary dyskinesia. Last evaluated: 2026-04-23. Review status: criteria provided, single submitter. Criteria: Ambry Variant Classification Scheme 2023. Collection method: clinical testing. Allele origin: germline.

Labcorp Genetics (formerly Invitae), Labcorp
Classification: Uncertain significance for Primary ciliary dyskinesia. Last evaluated: 2023-07-17. Review status: criteria provided, single submitter. Criteria: Invitae Variant Classification Sherloc (09022015). Collection method: clinical testing. Allele origin: germline.
Comment: ClinVar contains an entry for this variant (Variation ID: 655704). This variant has not been reported in the literature in individuals affected with DNAH5-related conditions. This variant is present in population databases (no rsID available, gnomAD 0.002%). This sequence change replaces proline, which is neutral and non-polar, with arginine, which is basic and polar, at codon 1187 of the DNAH5 protein (p.Pro1187Arg). Advanced modeling of protein sequence and biophysical properties (such as structural, functional, and spatial information, amino acid conservation, physicochemical variation, residue mobility, and thermodynamic stability) performed at Invitae indicates that this missense variant is not expected to disrupt DNAH5 protein function. In summary, the available evidence is currently insufficient to determine the role of this variant in disease. Therefore, it has been classified as a Variant of Uncertain Significance.

NM_001369.3(DNAH5):c.3560C>G (p.Pro1187Arg)

Genes: DNAH5 (dynein axonemal heavy chain 5; minus strand), DNAH5-AS1 (DNAH5 antisense RNA 1; plus strand). Cytogenetic location: 5p15.2.
Variant type: single nucleotide variant.
Coding change: c.3560C>G on transcript NM_001369.3 (MANE Select); coding-DNA position 3560, C replaced by G.
Protein change: p.Pro1187Arg; replaces proline 1187 with arginine.
Molecular consequence: missense variant.
Genome position (GRCh38, 1-based): chr5:13,871,602, G>C on the plus strand (C>G on the coding strand, the complement: DNAH5 is on the minus strand). VCF-style: chr5-13871602-G-C. GRCh37 (hg19) VCF-style: chr5-13871711-G-C.
Other names: short protein forms P1187R.
Identifiers: ClinVar variation 655704 (VCV000655704.10), dbSNP rs1415125422, ClinGen allele CA359232704.